The following is an entry in ClinVar:

ClinVar aggregate classification (germline): Benign (1 of 4 stars; one submission).

Submission:

CeGaT Center for Human Genetics Tuebingen
Classification: Benign. Last evaluated: 2025-02-01. Review status: criteria provided, single submitter. Criteria: CeGaT Center For Human Genetics Tuebingen Variant Classification Criteria Version 2. Collection method: clinical testing. Allele origin: germline. Affected: yes. Observed: 2 variant alleles.
Comment: BMP2K: BS1, BS2

NM_198892.2(BMP2K):c.1434GCA[5] (p.Gln483_Gln486del)

Gene: BMP2K (BMP2 inducible kinase; plus strand). Cytogenetic location: 4q21.21.
Variant type: Microsatellite.
Coding change: c.1434GCA[5] on transcript NM_198892.2 (MANE Select); five copies in a row of the 3-base unit GCA starting at c.1434; the reference has nine copies in a row; four copies, 12 bases deleted.
Protein change: p.Gln483_Gln486del.
Molecular consequence: inframe deletion.
Genome position (GRCh38, 1-based): chr4:78,871,000-78,871,011, GCAGCAGCAGCA deleted; deleting any 12 consecutive bases within chr4:78,870,983-78,871,011 gives the same sequence; the position shown is the placement nearest the transcript's 3' end. VCF-style (leftmost placement, unchanged base first): chr4-78870982-ACAGCAGCAGCAG-A. GRCh37 (hg19) VCF-style: chr4-79792136-ACAGCAGCAGCAG-A.
Other names: c.1434GCA[5], p.Gln483_Gln486del (NM_001419799.1, NM_001419800.1, NM_017593.5).
Identifiers: ClinVar variation 3387831 (VCV003387831.14).